The following is an entry in ClinVar:

ClinVar aggregate classification (germline): Likely pathogenic (1 of 4 stars; one submission).

Conditions:
Dilated cardiomyopathy 1G (CMD1G). Identifiers: Orphanet 154, MedGen C1858763, MONDO:0011400, OMIM 604145.
Autosomal recessive limb-girdle muscular dystrophy type 2J (LGMDR10). Also called: Limb-girdle muscular dystrophy, type 2J; MUSCULAR DYSTROPHY, LIMB-GIRDLE, AUTOSOMAL RECESSIVE 10. Identifiers: Orphanet 140922, MedGen C1837342, MONDO:0012127, OMIM 608807.

Submission:

Labcorp Genetics (formerly Invitae), Labcorp
Classification: Likely pathogenic for Dilated cardiomyopathy 1G; Autosomal recessive limb-girdle muscular dystrophy type 2J. Last evaluated: 2024-03-09. Review status: criteria provided, single submitter. Criteria: Invitae Variant Classification Sherloc (09022015). Collection method: clinical testing. Allele origin: germline.
Comment: This sequence change affects a splice site in intron 122 of the TTN gene. It is expected to disrupt RNA splicing and likely results in a truncated or disrupted TTN protein. This variant is not present in population databases (gnomAD no frequency). This variant has not been reported in the literature in individuals affected with TTN-related conditions. Algorithms developed to predict the effect of sequence changes on RNA splicing suggest that this variant may disrupt the consensus splice site. This variant is located in the I band of TTN (PMID: 25589632). Truncating variants in this region have been reported in individuals affected with autosomal recessive centronuclear myopathy (PMID: 23975875, Invitae internal data). Truncating variants in this region have also been identified in individuals affected with autosomal dominant dilated cardiomyopathy and/or cardio-related conditions (PMID: 27869827, 32964742, Invitae internal data). In summary, the currently available evidence indicates that the variant is pathogenic, but additional data are needed to prove that conclusively. Therefore, this variant has been classified as Likely Pathogenic.

Literature cited by the submitters: PubMed 25589632; PubMed 23975875; PubMed 27869827; PubMed 32964742.

NM_001267550.2(TTN):c.31846+2_31846+8del

Gene: TTN (titin; minus strand). Cytogenetic location: 2q31.2.
Variant type: Deletion.
Coding change: c.31846+2_31846+8del on transcript NM_001267550.2 (MANE Select); the canonical splice donor site of the intron after coding-DNA position 31846 through 8 bases into the intron after coding-DNA position 31846, 7 bases deleted (TACAGTG; older notation c.31846+2_31846+8delTACAGTG).
Molecular consequence: splice donor variant. On other transcripts: intron variant (3).
Genome position (GRCh38, 1-based): chr2:178,689,805-178,689,811, CACTGTA deleted on the plus strand (TACAGTG on the coding strand, the reverse complement: TTN is on the minus strand); deleting any 7 consecutive bases within chr2:178,689,805-178,689,812 gives the same sequence; the c. name uses the placement nearest the transcript's 3' end. VCF-style (leftmost placement, unchanged base first): chr2-178689804-CCACTGTA-C. GRCh37 (hg19) VCF-style: chr2-179554531-CCACTGTA-C.
Other names: c.13283-47494_13283-47488del (NM_003319.4); c.13859-47494_13859-47488del (NM_133437.4); c.13658-47494_13658-47488del (NM_133432.3); c.28114+2_28114+8del (NM_133378.4); c.30895+2_30895+8del (NM_001256850.1).
Identifiers: ClinVar variation 3755061 (VCV003755061.2).